The following is an entry in ClinVar:

NM_002303.6(LEPR):c.2674-5912A>C

Gene: LEPR (leptin receptor; plus strand). Cytogenetic location: 1p31.3.
Variant type: single nucleotide variant.
Coding change: c.2674-5912A>C on transcript NM_002303.6 (MANE Select); 5912 bases into the intron before coding-DNA position 2674, A replaced by C.
Molecular consequence: intron variant. On other transcripts: synonymous variant (2).
Genome position (GRCh38, 1-based): chr1:65,630,279, A>C. VCF-style: chr1-65630279-A-C. GRCh37 (hg19) VCF-style: chr1-66095962-A-C.
Other names: c.2751A>C, p.Gly917= (NM_001003680.3, NM_001198687.2); c.2674-2873A>C (NM_001003679.3, NM_001198689.2).
Identifiers: ClinVar variation 4084392 (VCV004084392.9).
Genomic context (GRCh38, chr1:65,630,279, plus strand): 5'-GTTCGTTAAGAGTCATCACCACTCCCTAATCTCAAGTACCCAGGGACACAAACACTGCGG[A>C]AGGCCACAGGGTCCTCTGCATAGGAAAACCAGAGACCTTTGTTCACTTGTTTATCTGCTG-3'

ClinVar aggregate classification (germline): Benign/Likely benign. Review status: criteria provided, multiple submitters, no conflicts (2 of 4 stars). 2 submissions from 2 submitters: Benign (1); Likely benign (1). Last evaluated 2026-08-01.

gnomAD v4.1: 2,510 of 327,590 alleles (0.77%); highest among the groups gnomAD compares: Admixed American, 1.2%; 16 homozygotes.

Submissions (2):

CeGaT Center for Human Genetics Tuebingen
Classification: Benign. Last evaluated: 2026-08-01. Review status: criteria provided, single submitter. Criteria: CeGaT Center For Human Genetics Tuebingen Variant Classification Criteria Version 2. Collection method: clinical testing. Allele origin: germline. Affected: yes. Observed: 6 variant alleles.
Comment: LEPR: BS1, BS2

Blueprint Genetics
Classification: Likely benign. Last evaluated: 2024-11-26. Review status: criteria provided, single submitter. Criteria: ACMG Guidelines, 2015. Collection method: clinical testing. Allele origin: germline.